The following is an entry in ClinVar:

ClinVar aggregate classification (germline): Benign/Likely benign. Review status: criteria provided, multiple submitters, no conflicts (2 of 4 stars). 3 submissions from 3 submitters: Benign (1); Likely benign (2). Last evaluated 2026-07-14.

Conditions:
Rhabdoid tumor predisposition syndrome 2 (RTPS2). Identifiers: Orphanet 231108, Orphanet 69077, MedGen C2750074, MONDO:0013224, OMIM 613325.
Hereditary cancer-predisposing syndrome. Also called: Hereditary neoplastic syndrome; Neoplastic Syndromes, Hereditary; Tumor predisposition; Hereditary Cancer Syndrome. Identifiers: Orphanet 140162, MedGen C0027672, MeSH D009386, MONDO:0015356.

Allele frequency attached by ClinVar (database versions not stated): gnomAD exomes 0.00002 and 0.00001; TOPMed below 0.00001; ExAC 0.00001; gnomAD 0.00001.
gnomAD v4.1: 10 of 1,611,166 alleles (0.00062%); highest among the groups gnomAD compares: South Asian, 0.0033%; no homozygotes.

Submissions (3):

Myriad Genetics, Inc.
Classification: Benign for Rhabdoid tumor predisposition syndrome 2. Last evaluated: 2026-07-14. Review status: criteria provided, single submitter. Criteria: Myriad Autosomal Dominant, Autosomal Recessive and X-Linked Classification Criteria (2023). Collection method: clinical testing. Allele origin: unknown.
Comment: This variant is considered benign. This variant is a silent/synonymous amino acid change and it is not expected to impact splicing.

Labcorp Genetics (formerly Invitae), Labcorp
Classification: Likely benign for Rhabdoid tumor predisposition syndrome 2. Last evaluated: 2025-11-10. Review status: criteria provided, single submitter. Criteria: Invitae Variant Classification Sherloc (09022015). Collection method: clinical testing. Allele origin: germline.

Ambry Genetics
Classification: Likely benign for Hereditary cancer-predisposing syndrome. Last evaluated: 2021-01-19. Review status: criteria provided, single submitter. Criteria: Ambry Variant Classification Scheme 2023. Collection method: clinical testing. Allele origin: germline.

NM_003072.5(SMARCA4):c.2982C>T (p.Tyr994=)

Gene: SMARCA4 (SWI/SNF related BAF chromatin remodeling complex subunit ATPase 4; plus strand). Cytogenetic location: 19p13.2.
Variant type: single nucleotide variant.
Coding change: c.2982C>T on transcript NM_003072.5 (MANE Select); coding-DNA position 2982, C replaced by T.
Protein change: p.Tyr994=; no amino-acid change (tyrosine 994 retained).
Molecular consequence: synonymous variant. On other transcripts: non-coding transcript variant (1).
Genome position (GRCh38, 1-based): chr19:11,024,339, C>T. VCF-style: chr19-11024339-C-T. GRCh37 (hg19) VCF-style: chr19-11135015-C-T.
Other names: c.2982C>T, p.Tyr994= (NM_001128844.3, NM_001128845.2, NM_001128846.2 and 4 more transcripts).
Identifiers: ClinVar variation 756957 (VCV000756957.12), dbSNP rs751743675, ClinGen allele CA9204293.